The following is an entry in ClinVar:

ClinVar aggregate classification (germline): Uncertain significance (1 of 4 stars; one submission).

gnomAD v4.1: 5 of 1,602,220 alleles (0.00031%); highest among the groups gnomAD compares: Admixed American, 0.0017%; no homozygotes.

Submission:

Mayo Clinic Laboratories, Mayo Clinic
Classification: Uncertain significance. Last evaluated: 2025-05-16. Review status: criteria provided, single submitter. Criteria: ACMG Guidelines, 2015. Collection method: clinical testing. Allele origin: germline. Observed: 1 variant allele.
Comment: BP4_moderate

NM_001160148.2(DDHD1):c.1402G>A (p.Val468Ile)

Gene: DDHD1 (DDHD domain containing 1; minus strand). Cytogenetic location: 14q22.1.
Variant type: single nucleotide variant.
Coding change: c.1402G>A on transcript NM_001160148.2 (MANE Select); coding-DNA position 1402, G replaced by A.
Protein change: p.Val468Ile; replaces valine 468 with isoleucine.
Molecular consequence: missense variant.
Genome position (GRCh38, 1-based): chr14:53,072,698, C>T on the plus strand (G>A on the coding strand, the complement: DDHD1 is on the minus strand). VCF-style: chr14-53072698-C-T. GRCh37 (hg19) VCF-style: chr14-53539416-C-T.
Other names: p.Val475Ile; c.1423G>A, p.Val475Ile (NM_001160147.2); c.1402G>A, p.Val468Ile (NM_030637.3); short protein forms V468I, V475I.
Identifiers: ClinVar variation 4541832 (VCV004541832.1).